The following is an entry in ClinVar:

NM_000062.3(SERPING1):c.51G>A (p.Gly17=)

Gene: SERPING1 (serpin family G member 1; plus strand). Cytogenetic location: 11q12.1.
Variant type: single nucleotide variant.
Coding change: c.51G>A on transcript NM_000062.3 (MANE Select); coding-DNA position 51, G replaced by A.
Protein change: p.Gly17=; no amino-acid change (glycine 17 retained).
Molecular consequence: synonymous variant.
Genome position (GRCh38, 1-based): chr11:57,598,321, G>A. VCF-style: chr11-57598321-G-A. GRCh37 (hg19) VCF-style: chr11-57365794-G-A.
Other names: c.51G>A, p.Gly17= (NM_001032295.2).
Identifiers: ClinVar variation 92195 (VCV000092195.1), dbSNP rs199473715, ClinGen allele CA220120.

ClinVar aggregate classification (germline): not provided (0 of 4 stars; one submission).

gnomAD v4.1: 3 of 1,562,684 alleles (0.00019%); highest among the groups gnomAD compares: Non-Finnish European, 0.00026%; no homozygotes.

Submission:

Peking Union Medical College Hospital
No classification provided. Review status: no classification provided. Collection method: not provided. Allele origin: somatic.
Comment: this variant was observed in both patients with hereditary angioedema and healthy controls.